The following is an entry in ClinVar:

ClinVar aggregate classification (germline): Likely pathogenic (1 of 4 stars; one submission).

Submission:

Labcorp Genetics (formerly Invitae), Labcorp
Classification: Likely pathogenic. Last evaluated: 2022-11-29. Review status: criteria provided, single submitter. Criteria: Invitae Variant Classification Sherloc (09022015). Collection method: clinical testing. Allele origin: germline.
Comment: In summary, the currently available evidence indicates that the variant is pathogenic, but additional data are needed to prove that conclusively. Therefore, this variant has been classified as Likely Pathogenic. Algorithms developed to predict the effect of sequence changes on RNA splicing suggest that this variant may disrupt the consensus splice site. Disruption of this splice site has been observed in individual(s) with clinical features of aldosterone synthase deficiency (Invitae). This variant is not present in population databases (gnomAD no frequency). This sequence change affects a donor splice site in intron 3 of the CYP11B2 gene. It is expected to disrupt RNA splicing. Variants that disrupt the donor or acceptor splice site typically lead to a loss of protein function (PMID: 16199547), and loss-of-function variants in CYP11B2 are known to be pathogenic (PMID: 20494601, 22801770, 26936515).

Literature cited by the submitters: PubMed 16199547; PubMed 20494601; PubMed 22801770; PubMed 26936515.

NM_000498.3(CYP11B2):c.595+2T>C

Genes: CYP11B2 (cytochrome P450 family 11 subfamily B member 2; minus strand), LOC106799834 (CYP11B2 recombination region; plus strand). Cytogenetic location: 8q24.3.
Variant type: single nucleotide variant.
Coding change: c.595+2T>C on transcript NM_000498.3 (MANE Select); the canonical splice donor site of the intron after coding-DNA position 595, T replaced by C.
Molecular consequence: splice donor variant.
Genome position (GRCh38, 1-based): chr8:142,915,044, A>G on the plus strand (T>C on the coding strand, the complement: CYP11B2 is on the minus strand). VCF-style: chr8-142915044-A-G. GRCh37 (hg19) VCF-style: chr8-143996460-A-G.
Identifiers: ClinVar variation 2030627 (VCV002030627.4), dbSNP rs2488700694, ClinGen allele CA372390275.